The following is an entry in ClinVar:

NM_001329943.3(KIAA0586):c.182T>C (p.Leu61Ser)

Gene: KIAA0586 (KIAA0586; plus strand). Cytogenetic location: 14q23.1.
Variant type: single nucleotide variant.
Coding change: c.182T>C on transcript NM_001329943.3 (MANE Select); coding-DNA position 182, T replaced by C.
Protein change: p.Leu61Ser; replaces leucine 61 with serine.
Molecular consequence: missense variant. On other transcripts: intron variant (5).
Genome position (GRCh38, 1-based): chr14:58,428,446, T>C. VCF-style: chr14-58428446-T-C. GRCh37 (hg19) VCF-style: chr14-58895164-T-C.
Other names: c.218T>C, p.Leu73Ser (NM_001244189.2); c.137T>C, p.Leu46Ser (NM_001244190.2); c.182T>C, p.Leu61Ser (NM_001329944.2, NM_001329946.2, NM_001329947.2 and 1 more transcripts); c.-57+809T>C (NM_001244192.2, NM_001244191.2); c.-57+633T>C (NM_001364701.2, NM_001329945.2, NM_001364700.1); c.182T>C (NM_014749.3); short protein forms L61S, L46S, L73S.
Identifiers: ClinVar variation 774106 (VCV000774106.19), dbSNP rs183168709, ClinGen allele CA7205280.
Genomic context (GRCh38, chr14:58,428,446, plus strand): 5'-CCTGTGTTCCTCCGGCATTGTCTGCAAATAAACGTCTTCCTGTTGGAACGGGGACTAGTT[T>C]GAATGGAACATCACGTGGTATGTGATTCCATGTAGTTTTTCAACCAGTTTTAGTTTAGTA-3'
Protein context (NP_001316872.1, residues 51-71): KRLPVGTGTS[Leu61Ser]NGTSRGSSDL

ClinVar aggregate classification (germline): Conflicting classifications of pathogenicity. Review status: criteria provided, conflicting classifications (1 of 4 stars). 6 submissions from 6 submitters: Uncertain significance (1); Likely benign (4). 1 of the submissions does not count toward it. Last evaluated 2026-01-24.

Conditions:
KIAA0586-related disorder. Also called: KIAA0586-related condition; KIAA0586- Related disorders.
Short-rib thoracic dysplasia 14 with polydactyly (SRTD14). Identifiers: Orphanet 397715, MedGen C4225286, MONDO:0014688, OMIM 616546.
Joubert syndrome 23 (JBTS23). Identifiers: Orphanet 475, MedGen C4084822, MONDO:0014664, OMIM 616490.
Inborn genetic diseases. Identifiers: MedGen C0950123, MeSH D030342.

Allele frequency attached by ClinVar (database versions not stated): gnomAD exomes 0.00008 and 0.00026; ExAC 0.00035; 1000 Genomes Project 30x 0.00062; 1000 Genomes Project 0.00080; gnomAD 0.00119 and 0.00129; TOPMed 0.00127; ESP Exome Variant Server 0.00138.
gnomAD v4.1: 303 of 1,612,726 alleles (0.019%); highest among the groups gnomAD compares: African/African-American, 0.38%; no homozygotes.

Submissions (6):

Labcorp Genetics (formerly Invitae), Labcorp
Classification: Likely benign for Joubert syndrome 23; Short-rib thoracic dysplasia 14 with polydactyly. Last evaluated: 2026-01-24. Review status: criteria provided, single submitter. Criteria: Invitae Variant Classification Sherloc (09022015). Collection method: clinical testing. Allele origin: germline.

Blueprint Genetics
Classification: Likely benign. Last evaluated: 2024-06-05. Review status: criteria provided, single submitter. Criteria: ACMG Guidelines, 2015. Collection method: clinical testing. Allele origin: germline.

Ambry Genetics
Classification: Likely benign for Inborn genetic diseases. Last evaluated: 2024-05-29. Review status: criteria provided, single submitter. Criteria: Ambry Variant Classification Scheme 2023. Collection method: clinical testing. Allele origin: germline.

GeneDx
Classification: Likely benign. Last evaluated: 2021-07-05. Review status: criteria provided, single submitter. Criteria: GeneDx Variant Classification Process June 2021. Collection method: clinical testing. Allele origin: germline. Affected: yes.

Revvity Omics, Revvity
Classification: Uncertain significance. Last evaluated: 2019-12-03. Review status: criteria provided, single submitter. Criteria: ACMG Guidelines, 2015. Collection method: clinical testing. Allele origin: germline.

PreventionGenetics, part of Exact Sciences
Classification: Likely benign for KIAA0586-related condition. Last evaluated: 2022-03-06. Review status: no assertion criteria provided. Collection method: clinical testing. Allele origin: germline. Not counted in ClinVar's aggregate classification.
Comment: This variant is classified as likely benign based on ACMG/AMP sequence variant interpretation guidelines (Richards et al. 2015 PMID: 25741868, with internal and published modifications).